The following is an entry in ClinVar:

ClinVar aggregate classification (germline): Pathogenic/Likely pathogenic. Review status: criteria provided, multiple submitters, no conflicts (2 of 4 stars). 2 submissions from 2 submitters: Pathogenic (1); Likely pathogenic (1). Last evaluated 2026-01-24.

Conditions:
Anophthalmia/microphthalmia-esophageal atresia syndrome (MCOPS3). Also called: MICROPHTHALMIA AND ESOPHAGEAL ATRESIA SYNDROME; AEG SYNDROME; SOX2 Disorder. Identifiers: Orphanet 77298, MedGen C1859773, MONDO:0008799, OMIM 206900.
Inborn genetic diseases. Identifiers: MedGen C0950123, MeSH D030342.

Submissions (2):

3billion
Classification: Likely pathogenic for Anophthalmia/microphthalmia-esophageal atresia syndrome. Last evaluated: 2026-01-24. Review status: criteria provided, single submitter. Criteria: ACMG Guidelines, 2015. Collection method: clinical testing. Allele origin: germline. Affected: yes.
Comment: The variant is not observed in the gnomAD v4.1.0 dataset. Predicted Consequence/Location: Missense variant In silico tool predictions suggest damaging effect of the variant on gene or gene product [REVEL: 0.87 (>=0.6, sensitivity 0.68 and specificity 0.92); 3Cnet: 0.99 (> 0.75, sensitivity 0.96 and precision 0.92)]. The same nucleotide change resulting in the same amino acid change has been previously reported to be associated with SOX2-related disorder (ClinVar ID: VCV004631863 /PMID: 27862890).The variant has been previously reported as assumed (i.e. paternity and maternity not confirmed) de novo in at least one similarly affected unrelated individual (PMID: 27862890). A different missense change at the same codon (p.Pro112Ala) has been reported to be associated with SOX2-related disorder (ClinVar ID: VCV000521601). Therefore, this variant is classified as Likely pathogenic according to the recommendation of ACMG/AMP guideline.

Ambry Genetics
Classification: Pathogenic for Inborn genetic diseases. Last evaluated: 2025-09-18. Review status: criteria provided, single submitter. Criteria: Ambry Variant Classification Scheme 2023. Collection method: clinical testing. Allele origin: germline.
Comment: The c.335C>T (p.P112L) alteration is located in exon 1 (coding exon 1) of the SOX2 gene. This alteration results from a C to T substitution at nucleotide position 335, causing the proline (P) at amino acid position 112 to be replaced by a leucine (L). This variant was not reported in population-based cohorts in the Genome Aggregation Database (gnomAD). This variant was determined to be de novo in at least one individual with features consistent with SOX2-related syndromic microphthalmia/anophthalmia (Dennert, 2017). This amino acid position is highly conserved in available vertebrate species. This missense alteration is located in a region that has a low rate of benign missense variation (Lek, 2016; Firth, 2009). This alteration is predicted to be deleterious by in silico analysis. Based on the available evidence, this alteration is classified as pathogenic.

Literature cited by the submitters: PubMed 27862890 (cited by 3billion and Ambry Genetics).

NM_003106.4(SOX2):c.335C>T (p.Pro112Leu)

Genes: SOX2 (SRY-box transcription factor 2; plus strand), SOX2-OT (SOX2 overlapping transcript; plus strand), LOC108281177 (SOX2 5' regulatory region; plus strand). Cytogenetic location: 3q26.33.
Variant type: single nucleotide variant.
Coding change: c.335C>T on transcript NM_003106.4 (MANE Select); coding-DNA position 335, C replaced by T.
Protein change: p.Pro112Leu; replaces proline 112 with leucine.
Molecular consequence: missense variant.
Genome position (GRCh38, 1-based): chr3:181,712,695, C>T. VCF-style: chr3-181712695-C-T. GRCh37 (hg19) VCF-style: chr3-181430483-C-T.
Other names: short protein forms P112L.
Identifiers: ClinVar variation 4631863 (VCV004631863.2).